The following is an entry in ClinVar:

ClinVar aggregate classification (germline): Uncertain significance (1 of 4 stars; one submission).

Submission:

Labcorp Genetics (formerly Invitae), Labcorp
Classification: Uncertain significance. Last evaluated: 2025-12-03. Review status: criteria provided, single submitter. Criteria: Invitae Variant Classification Sherloc (09022015). Collection method: clinical testing. Allele origin: germline.
Comment: This sequence change creates a premature translational stop signal (p.Tyr241Glyfs*14) in the IL23R gene. It is expected to result in an absent or disrupted protein product. However, the current clinical and genetic evidence is not sufficient to establish whether loss-of-function variants in IL23R cause disease. This variant is present in population databases (rs770106011, gnomAD 0.0009%). This variant has not been reported in the literature in individuals affected with IL23R-related conditions. ClinVar contains an entry for this variant (Variation ID: 2894262). In summary, the available evidence is currently insufficient to determine the role of this variant in disease. Therefore, it has been classified as a Variant of Uncertain Significance.

NM_144701.3(IL23R):c.721_724del (p.Tyr241fs)

Gene: IL23R (interleukin 23 receptor; plus strand). Cytogenetic location: 1p31.3.
Variant type: Deletion.
Coding change: c.721_724del on transcript NM_144701.3 (MANE Select); coding-DNA positions 721 to 724, 4 bases deleted (TATT; older notation c.721_724delTATT).
Protein change: p.Tyr241fs; shifts the reading frame from tyrosine 241.
Molecular consequence: frameshift variant.
Genome position (GRCh38, 1-based): chr1:67,206,978-67,206,981, TATT deleted; deleting any 4 consecutive bases within chr1:67,206,975-67,206,981 gives the same sequence; the c. name uses the placement nearest the transcript's 3' end. VCF-style (leftmost placement, unchanged base first): chr1-67206974-AATTT-A. GRCh37 (hg19) VCF-style: chr1-67672657-AATTT-A.
Other names: short protein forms Y241fs.
Identifiers: ClinVar variation 2894262 (VCV002894262.3), dbSNP rs770106011, ClinGen allele CA899802.